The following is an entry in ClinVar:

ClinVar aggregate classification (germline): Uncertain significance (1 of 4 stars; one submission).

Submission:

Labcorp Genetics (formerly Invitae), Labcorp
Classification: Uncertain significance. Last evaluated: 2024-01-08. Review status: criteria provided, single submitter. Criteria: Invitae Variant Classification Sherloc (09022015). Collection method: clinical testing. Allele origin: germline.
Comment: This sequence change replaces lysine, which is basic and polar, with arginine, which is basic and polar, at codon 627 of the CTNNA1 protein (p.Lys627Arg). This variant is not present in population databases (gnomAD no frequency). This variant has not been reported in the literature in individuals affected with CTNNA1-related conditions. ClinVar contains an entry for this variant (Variation ID: 1009552). Advanced modeling of protein sequence and biophysical properties (such as structural, functional, and spatial information, amino acid conservation, physicochemical variation, residue mobility, and thermodynamic stability) performed at Invitae indicates that this missense variant is not expected to disrupt CTNNA1 protein function with a negative predictive value of 80%. In summary, the available evidence is currently insufficient to determine the role of this variant in disease. Therefore, it has been classified as a Variant of Uncertain Significance.

NM_001903.5(CTNNA1):c.1880A>G (p.Lys627Arg)

Gene: CTNNA1 (catenin alpha 1; plus strand). Cytogenetic location: 5q31.2.
Variant type: single nucleotide variant.
Coding change: c.1880A>G on transcript NM_001903.5 (MANE Select); coding-DNA position 1880, A replaced by G.
Protein change: p.Lys627Arg; replaces lysine 627 with arginine.
Molecular consequence: missense variant.
Genome position (GRCh38, 1-based): chr5:138,925,388, A>G. VCF-style: chr5-138925388-A-G. GRCh37 (hg19) VCF-style: chr5-138261077-A-G.
Other names: c.1880A>G, p.Lys627Arg (NM_001290307.3, NM_001323982.2, NM_001323983.1 and 2 more transcripts); c.1571A>G, p.Lys524Arg (NM_001290309.3); c.1511A>G, p.Lys504Arg (NM_001290310.3); c.770A>G, p.Lys257Arg (NM_001290312.1, NM_001323987.1, NM_001323988.1 and 17 more transcripts); c.1787A>G, p.Lys596Arg (NM_001323986.2); c.431A>G, p.Lys144Arg (NM_001324006.1, NM_001324007.1, NM_001324008.1 and 2 more transcripts); c.677A>G, p.Lys226Arg (NM_001324011.1); c.527A>G, p.Lys176Arg (NM_001324012.1, NM_001324013.1); short protein forms K144R, K176R, K226R, K257R, K504R, K524R, K596R, K627R.
Identifiers: ClinVar variation 1009552 (VCV001009552.8), dbSNP rs1763798599, ClinGen allele CA361132410.